The following is an entry in ClinVar:

NM_017514.5(PLXNA3):c.933G>A (p.Pro311=)

Gene: PLXNA3 (plexin A3; plus strand). Cytogenetic location: Xq28.
Variant type: single nucleotide variant.
Coding change: c.933G>A on transcript NM_017514.5 (MANE Select); coding-DNA position 933, G replaced by A.
Protein change: p.Pro311=; no amino-acid change (proline 311 retained).
Molecular consequence: synonymous variant.
Genome position (GRCh38, 1-based): chrX:154,461,437, G>A. VCF-style: chrX-154461437-G-A. GRCh37 (hg19) VCF-style: chrX-153689777-G-A.
Identifiers: ClinVar variation 714122 (VCV000714122.7), dbSNP rs34328761, ClinGen allele CA10563863.
Genomic context (GRCh38, chrX:154,461,437, plus strand): 5'-GGTGCAGAGCGCCCACCTGGCCAAGCCTGGCCTGCTGCTGGCCCAGGCCCTGGGCGTGCC[G>A]GCTGATGAGGACGTCCTCTTCACCATCTTCTCTCAGGGCCAGAAGAACCGGGCCAGCCCA-3'
Protein context (NP_059984.3, residues 301-321): GLLLAQALGV[Pro311=]ADEDVLFTIF

ClinVar aggregate classification (germline): Benign. Review status: criteria provided, multiple submitters, no conflicts (2 of 4 stars). 3 submissions from 3 submitters: Benign (2). 1 of the submissions does not count toward it. Last evaluated 2019-12-31.

Conditions:
PLXNA3-related disorder. Also called: PLXNA3-related condition.

Allele frequency attached by ClinVar (database versions not stated): 1000 Genomes Project 0.00185; 1000 Genomes Project 30x 0.00187; TOPMed 0.00465; gnomAD 0.00503 and 0.00509; gnomAD exomes 0.00515; ExAC 0.00522; ESP Exome Variant Server 0.00587.

Submissions (3):

Labcorp Genetics (formerly Invitae), Labcorp
Classification: Benign. Last evaluated: 2019-12-31. Review status: criteria provided, single submitter. Criteria: Invitae Variant Classification Sherloc (09022015). Collection method: clinical testing. Allele origin: germline.

Breakthrough Genomics
Classification: Benign. Review status: criteria provided, single submitter. Criteria: ACMG Guidelines, 2015. Collection method: not provided. Allele origin: germline. Inheritance: Unknown mechanism. Affected: yes.

PreventionGenetics, part of Exact Sciences
Classification: Benign for PLXNA3-related condition. Last evaluated: 2020-02-11. Review status: no assertion criteria provided. Collection method: clinical testing. Allele origin: germline. Not counted in ClinVar's aggregate classification.
Comment: This variant is classified as benign based on ACMG/AMP sequence variant interpretation guidelines (Richards et al. 2015 PMID: 25741868, with internal and published modifications).